The following is an entry in ClinVar:

NM_002645.4(PIK3C2A):c.611C>T (p.Thr204Ile)

Gene: PIK3C2A (phosphatidylinositol-4-phosphate 3-kinase catalytic subunit type 2 alpha; minus strand). Cytogenetic location: 11p15.1.
Variant type: single nucleotide variant.
Coding change: c.611C>T on transcript NM_002645.4 (MANE Select); coding-DNA position 611, C replaced by T.
Protein change: p.Thr204Ile; replaces threonine 204 with isoleucine.
Molecular consequence: missense variant. On other transcripts: intron variant (1).
Genome position (GRCh38, 1-based): chr11:17,169,131, G>A on the plus strand (C>T on the coding strand, the complement: PIK3C2A is on the minus strand). VCF-style: chr11-17169131-G-A. GRCh37 (hg19) VCF-style: chr11-17190678-G-A.
Other names: c.611C>T, p.Thr204Ile (NM_001321378.2, NM_001386870.1); c.-75-13502C>T (NM_001321380.2); c.611C>T (NM_001321378.1); short protein forms T204I.
Identifiers: ClinVar variation 1551938 (VCV001551938.11), dbSNP rs61747756, ClinGen allele CA5901535.

ClinVar aggregate classification (germline): Benign. Review status: criteria provided, multiple submitters, no conflicts (2 of 4 stars). 3 submissions from 3 submitters: Benign (2). 1 of the submissions does not count toward it. Last evaluated 2026-01-28.

Conditions:
PIK3C2A-related disorder. Also called: PIK3C2A-related condition.

Allele frequency attached by ClinVar (database versions not stated): gnomAD exomes 0.00046 and 0.00130; ExAC 0.00162; 1000 Genomes Project 0.00379; 1000 Genomes Project 30x 0.00406; gnomAD 0.00518 and 0.00572; TOPMed 0.00567; ESP Exome Variant Server 0.00716.
gnomAD v4.1: 1,489 of 1,614,188 alleles (0.092%); highest among the groups gnomAD compares: African/African-American, 1.8%; 25 homozygotes.

Submissions (3):

Labcorp Genetics (formerly Invitae), Labcorp
Classification: Benign. Last evaluated: 2026-01-28. Review status: criteria provided, single submitter. Criteria: Invitae Variant Classification Sherloc (09022015). Collection method: clinical testing. Allele origin: germline.

Breakthrough Genomics
Classification: Benign. Review status: criteria provided, single submitter. Criteria: ACMG Guidelines, 2015. Collection method: not provided. Allele origin: germline. Inheritance: Autosomal recessive inheritance. Affected: yes.

PreventionGenetics, part of Exact Sciences
Classification: Benign for PIK3C2A-related condition. Last evaluated: 2019-12-17. Review status: no assertion criteria provided. Collection method: clinical testing. Allele origin: germline. Not counted in ClinVar's aggregate classification.
Comment: This variant is classified as benign based on ACMG/AMP sequence variant interpretation guidelines (Richards et al. 2015 PMID: 25741868, with internal and published modifications).